The following is an entry in ClinVar:

NM_000504.4(F10):c.90G>C (p.Gln30His)

Genes: F10 (coagulation factor X; plus strand), F10-AS1 (F10 antisense RNA 1; minus strand). Cytogenetic location: 13q34.
Variant type: single nucleotide variant.
Coding change: c.90G>C on transcript NM_000504.4 (MANE Select); coding-DNA position 90, G replaced by C.
Protein change: p.Gln30His; replaces glutamine 30 with histidine.
Molecular consequence: missense variant.
Genome position (GRCh38, 1-based): chr13:113,129,471, G>C. VCF-style: chr13-113129471-G-C. GRCh37 (hg19) VCF-style: chr13-113783785-G-C.
Other names: c.90G>C (LRG_548t1); c.90G>C, p.Gln30His (NM_001312674.2, NM_001312675.2); short protein forms Q30H.
Identifiers: ClinVar variation 311270 (VCV000311270.10), dbSNP rs5961, ClinGen allele CA7060350.
Genomic context (GRCh38, chr13:113,129,471, plus strand): 5'-GGGTGACCAGAGCTTTTAACCCTGTCCTCCCTGCCTTCCAGTGTTCATCCGCAGGGAGCA[G>C]GCCAACAACATCCTGGCGAGGGTCACGAGGGCCAATTCCTTTCTTGAAGAGATGAAGAAA-3'
Protein context (NP_000495.1, residues 20-40): LGESLFIRRE[Gln30His]ANNILARVTR

ClinVar aggregate classification (germline): Benign. Review status: criteria provided, multiple submitters, no conflicts (2 of 4 stars). 3 submissions from 3 submitters: Benign (3). Last evaluated 2019-12-31.

Conditions:
Hereditary factor X deficiency disease. Also called: STUART-PROWER FACTOR DEFICIENCY; Congenital factor X deficiency. Identifiers: Orphanet 328, MedGen C0272327, MONDO:0009212, OMIM 227600.

Allele frequency attached by ClinVar (database versions not stated): gnomAD exomes 0.00118 and 0.00309; ExAC 0.00405; gnomAD 0.01202 and 0.01285; TOPMed 0.01382; 1000 Genomes Project 0.01458; ESP Exome Variant Server 0.01545; 1000 Genomes Project 30x 0.01562.
gnomAD v4.1: 3,648 of 1,613,910 alleles (0.23%); highest among the groups gnomAD compares: African/African-American, 4.3%; 59 homozygotes.

Submissions (3):

Labcorp Genetics (formerly Invitae), Labcorp
Classification: Benign. Last evaluated: 2019-12-31. Review status: criteria provided, single submitter. Criteria: Invitae Variant Classification Sherloc (09022015). Collection method: clinical testing. Allele origin: germline.

Illumina Laboratory Services, Illumina
Classification: Benign for Hereditary factor X deficiency disease. Last evaluated: 2018-01-13. Review status: criteria provided, single submitter. Criteria: ICSL Variant Classification Criteria 13 December 2019. Collection method: clinical testing. Allele origin: germline.
Comment: This variant was observed in the ICSL laboratory as part of a predisposition screen in an ostensibly healthy population. It had not been previously curated by ICSL or reported in the Human Gene Mutation Database (HGMD: prior to June 1st, 2018), and was therefore a candidate for classification through an automated scoring system. Utilizing variant allele frequency, disease prevalence and penetrance estimates, and inheritance mode, an automated score was calculated to assess if this variant is too frequent to cause the disease. Based on the score and internal cut-off values, a variant classified as benign is not then subjected to further curation. The score for this variant resulted in a classification of benign for this disease.

Breakthrough Genomics
Classification: Benign. Review status: criteria provided, single submitter. Criteria: ACMG Guidelines, 2015. Collection method: not provided. Allele origin: germline. Inheritance: Autosomal recessive inheritance. Affected: yes.